The following is an entry in ClinVar:

ClinVar aggregate classification (germline): Uncertain significance (1 of 4 stars; one submission).

Allele frequency attached by ClinVar (database versions not stated): gnomAD 0.00001; 1000 Genomes Project 30x 0.00016; 1000 Genomes Project 0.00020.
gnomAD v4.1: 1 of 1,613,820 alleles (0.000062%); highest among the groups gnomAD compares: African/African-American, 0.0013%; no homozygotes.

Submission:

Labcorp Genetics (formerly Invitae), Labcorp
Classification: Uncertain significance. Last evaluated: 2023-11-27. Review status: criteria provided, single submitter. Criteria: Invitae Variant Classification Sherloc (09022015). Collection method: clinical testing. Allele origin: germline.
Comment: This sequence change replaces proline, which is neutral and non-polar, with leucine, which is neutral and non-polar, at codon 1040 of the PCLO protein (p.Pro1040Leu). This variant is not present in population databases (gnomAD no frequency). This variant has not been reported in the literature in individuals affected with PCLO-related conditions. ClinVar contains an entry for this variant (Variation ID: 2101771). Experimental studies and prediction algorithms are not available or were not evaluated, and the functional significance of this variant is currently unknown. In summary, the available evidence is currently insufficient to determine the role of this variant in disease. Therefore, it has been classified as a Variant of Uncertain Significance.

NM_033026.6(PCLO):c.3119C>T (p.Pro1040Leu)

Gene: PCLO (piccolo presynaptic cytomatrix protein; minus strand). Cytogenetic location: 7q21.11.
Variant type: single nucleotide variant.
Coding change: c.3119C>T on transcript NM_033026.6 (MANE Select); coding-DNA position 3119, C replaced by T.
Protein change: p.Pro1040Leu; replaces proline 1040 with leucine.
Molecular consequence: missense variant.
Genome position (GRCh38, 1-based): chr7:83,134,431, G>A on the plus strand (C>T on the coding strand, the complement: PCLO is on the minus strand). VCF-style: chr7-83134431-G-A. GRCh37 (hg19) VCF-style: chr7-82763747-G-A.
Other names: c.3119C>T, p.Pro1040Leu (NM_014510.3); short protein forms P1040L.
Identifiers: ClinVar variation 2101771 (VCV002101771.4), dbSNP rs202143486, ClinGen allele CA161171696.